The following is an entry in ClinVar:

NM_031475.3(ESPN):c.2384G>A (p.Arg795Gln)

Gene: ESPN (espin; plus strand). Cytogenetic location: 1p36.31.
Variant type: single nucleotide variant.
Coding change: c.2384G>A on transcript NM_031475.3 (MANE Select); coding-DNA position 2384, G replaced by A.
Protein change: p.Arg795Gln; replaces arginine 795 with glutamine.
Molecular consequence: missense variant.
Genome position (GRCh38, 1-based): chr1:6,457,242, G>A. VCF-style: chr1-6457242-G-A. GRCh37 (hg19) VCF-style: chr1-6517302-G-A.
Other names: c.2294G>A, p.Arg765Gln (NM_001367473.1); c.2321G>A, p.Arg774Gln (NM_001367474.1); short protein forms R765Q, R774Q, R795Q.
Identifiers: ClinVar variation 1956440 (VCV001956440.5), dbSNP rs747570677, ClinGen allele CA560474.
Genomic context (GRCh38, chr1:6,457,242, plus strand): 5'-AGGAGGAGGAGGAGGAGGCCCGGCTGGCCAGCATGCCCGCCTGGAGGCGGGACCTCCTGC[G>A]GAAGAAGCTGGAAGAAGAGAGGTGAGCTGGGGGTCAGGCAGAGGCTGGCCTGGCAGGGTG-3'
Protein context (NP_113663.2, residues 785-805): SMPAWRRDLL[Arg795Gln]KKLEEEREQK

ClinVar aggregate classification (germline): Uncertain significance (1 of 4 stars; one submission).

Allele frequency attached by ClinVar (database versions not stated): TOPMed 0.00001; ExAC 0.00003.
gnomAD v4.1: 7 of 1,613,806 alleles (0.00043%); highest among the groups gnomAD compares: Admixed American, 0.005%; no homozygotes.

Submission:

Labcorp Genetics (formerly Invitae), Labcorp
Classification: Uncertain significance. Last evaluated: 2022-05-29. Review status: criteria provided, single submitter. Criteria: Invitae Variant Classification Sherloc (09022015). Collection method: clinical testing. Allele origin: germline.
Comment: In summary, the available evidence is currently insufficient to determine the role of this variant in disease. Therefore, it has been classified as a Variant of Uncertain Significance. Algorithms developed to predict the effect of missense changes on protein structure and function are either unavailable or do not agree on the potential impact of this missense change (SIFT: "Tolerated"; PolyPhen-2: "Probably Damaging"; Align-GVGD: "Class C0"). This variant has not been reported in the literature in individuals affected with ESPN-related conditions. This variant is present in population databases (rs747570677, gnomAD 0.007%). This sequence change replaces arginine, which is basic and polar, with glutamine, which is neutral and polar, at codon 795 of the ESPN protein (p.Arg795Gln).